The following is an entry in ClinVar:

ClinVar aggregate classification (germline): Uncertain significance. Review status: criteria provided, multiple submitters, no conflicts (2 of 4 stars). 4 submissions from 4 submitters: Uncertain significance (4). Last evaluated 2026-08-21.

Conditions:
Retinal dystrophy. Also called: Inherited retinal dystrophy. Identifiers: Orphanet 71862, MedGen C0854723, MeSH D058499, MONDO:0019118, HP:0000556.
IMPG1-related disorder. Also called: IMPG1-related condition.

Allele frequency attached by ClinVar (database versions not stated): TOPMed 0.00014; ESP Exome Variant Server 0.00015; ExAC 0.00018; gnomAD exomes 0.00018 and 0.00020.
gnomAD v4.1: 279 of 1,613,676 alleles (0.017%); highest among the groups gnomAD compares: Middle Eastern, 0.15%; no homozygotes.

Submissions (4):

PreventionGenetics, part of Exact Sciences
Classification: Uncertain significance for IMPG1-related condition. Last evaluated: 2026-08-21. Review status: criteria provided, single submitter. Criteria: ACMG Guidelines, 2015. Collection method: clinical testing. Allele origin: germline.
Comment: The IMPG1 c.1738C>T variant is predicted to result in the amino acid substitution p.Arg580Cys. This variant has been reported with uncertain significance in a large cohort study of age-related macular degeneration (Table S2, Kersten et al. 2018. PubMed ID: 30215852). This variant is present in 0.036% of alleles in individuals of South Asian descent in gnomAD. At this time, the clinical significance of this variant is uncertain due to the absence of conclusive functional and genetic evidence.

Labcorp Genetics (formerly Invitae), Labcorp
Classification: Uncertain significance. Last evaluated: 2026-01-11. Review status: criteria provided, single submitter. Criteria: Invitae Variant Classification Sherloc (09022015). Collection method: clinical testing. Allele origin: germline.
Comment: This sequence change replaces arginine, which is basic and polar, with cysteine, which is neutral and slightly polar, at codon 580 of the IMPG1 protein (p.Arg580Cys). This variant is present in population databases (rs142123216, gnomAD 0.04%). This missense change has been observed in individual(s) with IMPG1-related conditions (PMID: 30215852; internal data). ClinVar contains an entry for this variant (Variation ID: 1042191). An algorithm developed to predict the effect of missense changes on protein structure and function (PolyPhen-2) suggests that this variant is likely to be disruptive. In summary, the available evidence is currently insufficient to determine the role of this variant in disease. Therefore, it has been classified as a Variant of Uncertain Significance.

Blueprint Genetics
Classification: Uncertain significance. Last evaluated: 2024-09-09. Review status: criteria provided, single submitter. Criteria: ACMG Guidelines, 2015. Collection method: clinical testing. Allele origin: germline.

Institute of Human Genetics, Univ. Regensburg, Univ. Regensburg
Classification: Uncertain significance for Retinal dystrophy. Last evaluated: 2023-01-01. Review status: criteria provided, single submitter. Criteria: ACMG Guidelines, 2015. Collection method: clinical testing. Allele origin: germline. Affected: yes.

Literature cited by the submitters: PubMed 30215852 (cited by Labcorp Genetics (formerly Invitae), Labcorp and Institute of Human Genetics, Univ. Regensburg, Univ. Regensburg).

NM_001563.4(IMPG1):c.1738C>T (p.Arg580Cys)

Gene: IMPG1 (interphotoreceptor matrix proteoglycan 1; minus strand). Cytogenetic location: 6q14.1.
Variant type: single nucleotide variant.
Coding change: c.1738C>T on transcript NM_001563.4 (MANE Select); coding-DNA position 1738, C replaced by T.
Protein change: p.Arg580Cys; replaces arginine 580 with cysteine.
Molecular consequence: missense variant.
Genome position (GRCh38, 1-based): chr6:75,950,648, G>A on the plus strand (C>T on the coding strand, the complement: IMPG1 is on the minus strand). VCF-style: chr6-75950648-G-A. GRCh37 (hg19) VCF-style: chr6-76660365-G-A.
Other names: c.1738C>T (NM_001563.3); c.1504C>T, p.Arg502Cys (NM_001282368.2); short protein forms R502C, R580C.
Identifiers: ClinVar variation 1042191 (VCV001042191.9), dbSNP rs142123216, ClinGen allele CA3898064.